The following is an entry in ClinVar:

NM_000136.3(FANCC):c.1168C>A (p.Pro390Thr)

Genes: AOPEP (aminopeptidase O (putative); plus strand), FANCC (FA complementation group C; minus strand). Cytogenetic location: 9q22.32.
Variant type: single nucleotide variant.
Coding change: c.1168C>A on transcript NM_000136.3 (MANE Select); coding-DNA position 1168, C replaced by A.
Protein change: p.Pro390Thr; replaces proline 390 with threonine.
Molecular consequence: missense variant.
Genome position (GRCh38, 1-based): chr9:95,111,624, G>T on the plus strand (C>A on the coding strand, the complement: FANCC is on the minus strand). VCF-style: chr9-95111624-G-T. GRCh37 (hg19) VCF-style: chr9-97873906-G-T.
Other names: c.1168C>A, p.Pro390Thr (NM_001243743.2, NM_001243744.2); short protein forms P390T.
Identifiers: ClinVar variation 4870938 (VCV004870938.1).

ClinVar aggregate classification (germline): Uncertain significance (1 of 4 stars; one submission).

Conditions:
Hereditary cancer-predisposing syndrome. Also called: Neoplastic Syndromes, Hereditary; Hereditary Cancer Syndrome; Hereditary neoplastic syndrome; Tumor predisposition. Identifiers: Orphanet 140162, MedGen C0027672, MeSH D009386, MONDO:0015356.

Submission:

Ambry Genetics
Classification: Uncertain significance for Hereditary cancer-predisposing syndrome. Last evaluated: 2026-03-20. Review status: criteria provided, single submitter. Criteria: Ambry Variant Classification Scheme 2023. Collection method: clinical testing. Allele origin: germline.
Comment: The p.P390T variant (also known as c.1168C>A), located in coding exon 12 of the FANCC gene, results from a C to A substitution at nucleotide position 1168. The proline at codon 390 is replaced by threonine, an amino acid with highly similar properties. This amino acid position is conserved. In addition, this alteration is predicted to be tolerated by in silico analysis. Based on the available evidence, the clinical significance of this variant remains unclear.